The following is an entry in ClinVar:

NM_002890.3(RASA1):c.118G>A (p.Ala40Thr)

Gene: RASA1 (RAS p21 protein activator 1; plus strand). Cytogenetic location: 5q14.3.
Variant type: single nucleotide variant.
Coding change: c.118G>A on transcript NM_002890.3 (MANE Select); coding-DNA position 118, G replaced by A.
Protein change: p.Ala40Thr; replaces alanine 40 with threonine.
Molecular consequence: missense variant.
Genome position (GRCh38, 1-based): chr5:87,268,569, G>A. VCF-style: chr5-87268569-G-A. GRCh37 (hg19) VCF-style: chr5-86564386-G-A.
Other names: short protein forms A40T.
Identifiers: ClinVar variation 3008078 (VCV003008078.4), dbSNP rs776808593, ClinGen allele CA360416809.

ClinVar aggregate classification (germline): Uncertain significance. Review status: criteria provided, multiple submitters, no conflicts (2 of 4 stars). 2 submissions from 2 submitters: Uncertain significance (2). Last evaluated 2025-07-28.

Conditions:
Capillary malformation-arteriovenous malformation syndrome. Also called: Capillary malformation-arteriovenous malformation. Identifiers: Orphanet 137667, MedGen C1842180, MONDO:0012016.
Cardiovascular phenotype. Identifiers: MedGen CN230736.

gnomAD v4.1: 1 of 1,607,578 alleles (0.000062%); highest among the groups gnomAD compares: South Asian, 0.0011%; no homozygotes.

Submissions (2):

Ambry Genetics
Classification: Uncertain significance for Cardiovascular phenotype. Last evaluated: 2025-07-28. Review status: criteria provided, single submitter. Criteria: Ambry Variant Classification Scheme 2023. Collection method: clinical testing. Allele origin: germline.
Comment: The p.A40T variant (also known as c.118G>A), located in coding exon 1 of the RASA1 gene, results from a G to A substitution at nucleotide position 118. The alanine at codon 40 is replaced by threonine, an amino acid with similar properties. This amino acid position is conserved. In addition, this alteration is predicted to be tolerated by in silico analysis. Based on the available evidence, the clinical significance of this variant remains unclear.

Labcorp Genetics (formerly Invitae), Labcorp
Classification: Uncertain significance for Capillary malformation-arteriovenous malformation syndrome. Last evaluated: 2023-09-23. Review status: criteria provided, single submitter. Criteria: Invitae Variant Classification Sherloc (09022015). Collection method: clinical testing. Allele origin: germline.
Comment: This variant has not been reported in the literature in individuals affected with RASA1-related conditions. In summary, the available evidence is currently insufficient to determine the role of this variant in disease. Therefore, it has been classified as a Variant of Uncertain Significance. An algorithm developed to predict the effect of missense changes on protein structure and function (PolyPhen-2) suggests that this variant is likely to be disruptive. This variant is not present in population databases (gnomAD no frequency). This sequence change replaces alanine, which is neutral and non-polar, with threonine, which is neutral and polar, at codon 40 of the RASA1 protein (p.Ala40Thr).